The following is an entry in ClinVar:

NM_006206.6(PDGFRA):c.50-3C>T

Gene: PDGFRA (platelet derived growth factor receptor alpha; plus strand). Cytogenetic location: 4q12.
Variant type: single nucleotide variant.
Coding change: c.50-3C>T on transcript NM_006206.6 (MANE Select); 3 bases into the intron before coding-DNA position 50, C replaced by T.
Molecular consequence: intron variant.
Genome position (GRCh38, 1-based): chr4:54,261,092, C>T. VCF-style: chr4-54261092-C-T. GRCh37 (hg19) VCF-style: chr4-55127259-C-T.
Other names: c.125-3C>T (NM_001347828.2); c.50-3C>T (NM_001347827.2, NM_001347829.2, NM_006206.4); c.89-3C>T (NM_001347830.2).
Identifiers: ClinVar variation 2732712 (VCV002732712.4), dbSNP rs2110241560, ClinGen allele CA2697546701.

ClinVar aggregate classification (germline): Uncertain significance. Review status: criteria provided, multiple submitters, no conflicts (2 of 4 stars). 2 submissions from 2 submitters: Uncertain significance (2). Last evaluated 2026-05-07.

Conditions:
Hereditary cancer-predisposing syndrome. Also called: Neoplastic Syndromes, Hereditary; Tumor predisposition; Hereditary Cancer Syndrome; Hereditary neoplastic syndrome. Identifiers: Orphanet 140162, MedGen C0027672, MeSH D009386, MONDO:0015356.
Gastrointestinal stromal tumor. Also called: Gastrointestinal stromal tumor, somatic; Gastrointestinal stroma tumor. Identifiers: Orphanet 44890, MedGen C0238198, MeSH D046152, MONDO:0011719, OMIM 606764, HP:0100723.

Submissions (2):

Ambry Genetics
Classification: Uncertain significance for Hereditary cancer-predisposing syndrome. Last evaluated: 2026-05-07. Review status: criteria provided, single submitter. Criteria: Ambry Variant Classification Scheme 2023. Collection method: clinical testing. Allele origin: germline.
Comment: The c.50-3C>T intronic variant results from a C to T substitution 3 nucleotides upstream from coding exon 2 in the PDGFRA gene. This nucleotide position is well conserved in available vertebrate species. In silico splice site analysis predicts that this alteration will not have any significant effect on splicing. Based on the available evidence, the clinical significance of this variant remains unclear.

Labcorp Genetics (formerly Invitae), Labcorp
Classification: Uncertain significance for Gastrointestinal stromal tumor. Last evaluated: 2023-06-29. Review status: criteria provided, single submitter. Criteria: Invitae Variant Classification Sherloc (09022015). Collection method: clinical testing. Allele origin: germline.
Comment: This variant is not present in population databases (gnomAD no frequency). This sequence change falls in intron 2 of the PDGFRA gene. It does not directly change the encoded amino acid sequence of the PDGFRA protein. It affects a nucleotide within the consensus splice site. This variant has not been reported in the literature in individuals affected with PDGFRA-related conditions. Variants that disrupt the consensus splice site are a relatively common cause of aberrant splicing (PMID: 17576681, 9536098). Algorithms developed to predict the effect of sequence changes on RNA splicing suggest that this variant may create or strengthen a splice site. In summary, the available evidence is currently insufficient to determine the role of this variant in disease. Therefore, it has been classified as a Variant of Uncertain Significance.

Literature cited by the submitters: PubMed 17576681 (cited by Labcorp Genetics (formerly Invitae), Labcorp); PubMed 9536098 (cited by Labcorp Genetics (formerly Invitae), Labcorp).